The following is an entry in ClinVar:

NM_001386140.1(MTTP):c.1706A>C (p.Gln569Pro)

Gene: MTTP (microsomal triglyceride transfer protein; plus strand). Cytogenetic location: 4q23.
Variant type: single nucleotide variant.
Coding change: c.1706A>C on transcript NM_001386140.1 (MANE Select); coding-DNA position 1706, A replaced by C.
Protein change: p.Gln569Pro; replaces glutamine 569 with proline.
Molecular consequence: missense variant.
Genome position (GRCh38, 1-based): chr4:99,608,914, A>C. VCF-style: chr4-99608914-A-C. GRCh37 (hg19) VCF-style: chr4-100530071-A-C.
Other names: c.1706A>C, p.Gln569Pro (NM_000253.4); c.1457A>C, p.Gln486Pro (NM_001300785.2); short protein forms Q486P, Q569P.
Identifiers: ClinVar variation 1957893 (VCV001957893.2), dbSNP rs1013109319, ClinGen allele CA357513129.

ClinVar aggregate classification (germline): Uncertain significance (1 of 4 stars; one submission).

gnomAD v4.1: 2 of 1,614,206 alleles (0.00012%); highest among the groups gnomAD compares: Middle Eastern, 0.033%; no homozygotes.

Submission:

Labcorp Genetics (formerly Invitae), Labcorp
Classification: Uncertain significance. Last evaluated: 2022-08-19. Review status: criteria provided, single submitter. Criteria: Invitae Variant Classification Sherloc (09022015). Collection method: clinical testing. Allele origin: germline.
Comment: This sequence change replaces glutamine, which is neutral and polar, with proline, which is neutral and non-polar, at codon 569 of the MTTP protein (p.Gln569Pro). This variant is present in population databases (no rsID available, gnomAD no frequency). This variant has not been reported in the literature in individuals affected with MTTP-related conditions. Algorithms developed to predict the effect of missense changes on protein structure and function (SIFT, PolyPhen-2, Align-GVGD) all suggest that this variant is likely to be tolerated. In summary, the available evidence is currently insufficient to determine the role of this variant in disease. Therefore, it has been classified as a Variant of Uncertain Significance.